The following is an entry in ClinVar:

NM_015072.5(TTLL5):c.1949T>C (p.Leu650Pro)

Gene: TTLL5 (tubulin tyrosine ligase like 5; plus strand). Cytogenetic location: 14q24.3.
Variant type: single nucleotide variant.
Coding change: c.1949T>C on transcript NM_015072.5 (MANE Select); coding-DNA position 1949, T replaced by C.
Protein change: p.Leu650Pro; replaces leucine 650 with proline.
Molecular consequence: missense variant.
Genome position (GRCh38, 1-based): chr14:75,766,302, T>C. VCF-style: chr14-75766302-T-C. GRCh37 (hg19) VCF-style: chr14-76232645-T-C.
Other names: short protein forms L650P.
Identifiers: ClinVar variation 1020895 (VCV001020895.7), dbSNP rs1200300838, ClinGen allele CA390467659.

ClinVar aggregate classification (germline): Uncertain significance (1 of 4 stars; one submission).

Allele frequency attached by ClinVar (database versions not stated): gnomAD exomes below 0.00001; gnomAD 0.00001; TOPMed below 0.00001.
gnomAD v4.1: 7 of 1,613,906 alleles (0.00043%); highest among the groups gnomAD compares: Non-Finnish European, 0.00059%; no homozygotes.

Submission:

Labcorp Genetics (formerly Invitae), Labcorp
Classification: Uncertain significance. Last evaluated: 2020-09-09. Review status: criteria provided, single submitter. Criteria: Invitae Variant Classification Sherloc (09022015). Collection method: clinical testing. Allele origin: germline.
Comment: In summary, the available evidence is currently insufficient to determine the role of this variant in disease. Therefore, it has been classified as a Variant of Uncertain Significance. Algorithms developed to predict the effect of missense changes on protein structure and function (SIFT, PolyPhen-2, Align-GVGD) all suggest that this variant is likely to be tolerated, but these predictions have not been confirmed by published functional studies and their clinical significance is uncertain. This variant has not been reported in the literature in individuals with TTLL5-related conditions. This variant is not present in population databases (ExAC no frequency). This sequence change replaces leucine with proline at codon 650 of the TTLL5 protein (p.Leu650Pro). The leucine residue is weakly conserved and there is a moderate physicochemical difference between leucine and proline.